The following is an entry in ClinVar:

NM_015311.3(OBSL1):c.2327C>G (p.Pro776Arg)

Gene: OBSL1 (obscurin like cytoskeletal adaptor 1; minus strand). Cytogenetic location: 2q35.
Variant type: single nucleotide variant.
Coding change: c.2327C>G on transcript NM_015311.3 (MANE Select); coding-DNA position 2327, C replaced by G.
Protein change: p.Pro776Arg; replaces proline 776 with arginine.
Molecular consequence: missense variant.
Genome position (GRCh38, 1-based): chr2:219,565,322, G>C on the plus strand (C>G on the coding strand, the complement: OBSL1 is on the minus strand). VCF-style: chr2-219565322-G-C. GRCh37 (hg19) VCF-style: chr2-220430044-G-C.
Other names: c.2327C>G, p.Pro776Arg (NM_001173408.2, NM_001173431.2); short protein forms P776R.
Identifiers: ClinVar variation 1033346 (VCV001033346.3), dbSNP rs371579379, ClinGen allele CA2131271.
Genomic context (GRCh38, chr2:219,565,322, plus strand): 5'-AAGGCCGAGACCCCTTCTGTCCTGCACTCAAACTCGCCACTGTCCTGGACTTTGGCCTCA[G>C]GCAGGATCAGACGGTGTTTGCGCCCATCCATCTTCACCACCAGCAACTCGCTCTCCTCCA-3'
Protein context (NP_056126.1, residues 766-786): MDGRKHRLIL[Pro776Arg]EAKVQDSGEF

ClinVar aggregate classification (germline): Uncertain significance. Review status: criteria provided, multiple submitters, no conflicts (2 of 4 stars). 2 submissions from 2 submitters: Uncertain significance (2). Last evaluated 2026-03-13.

Conditions:
3M syndrome 2. Also called: 3-M Syndrome, OBSL1-Related; THREE M SYNDROME 2. Identifiers: Orphanet 2616, MedGen C2752041, MONDO:0013039, OMIM 612921.

Allele frequency attached by ClinVar (database versions not stated): ESP Exome Variant Server 0.00008; gnomAD exomes 0.00001 and 0.00003; gnomAD 0.00003; ExAC 0.00004; TOPMed 0.00004.
gnomAD v4.1: 22 of 1,613,924 alleles (0.0014%); highest among the groups gnomAD compares: Middle Eastern, 0.049%; no homozygotes.

Submissions (2):

Women's Health and Genetics/Laboratory Corporation of America, LabCorp
Classification: Uncertain significance. Last evaluated: 2026-03-13. Review status: criteria provided, single submitter. Criteria: LabCorp Variant Classification Summary - May 2015. Collection method: clinical testing. Allele origin: germline.
Comment: Variant summary: OBSL1 c.2327C>G (p.Pro776Arg) results in a non-conservative amino acid change in the encoded protein sequence. Algorithms developed to predict the effect of missense changes on protein structure and function are either unavailable or do not agree on the potential impact of this missense change. The variant allele was found at a frequency of 2.8e-05 in 249220 control chromosomes. The available data on variant occurrences in the general population are insufficient to allow any conclusion about variant significance. To our knowledge, no occurrence of c.2327C>G in individuals affected with OBSL1-related conditions and no experimental evidence demonstrating its impact on protein function have been reported. ClinVar contains an entry for this variant (Variation ID: 1033346). Based on the evidence outlined above, the variant was classified as uncertain significance.

Baylor Genetics
Classification: Uncertain significance for 3M syndrome 2. Last evaluated: 2022-10-17. Review status: criteria provided, single submitter. Criteria: ACMG Guidelines, 2015. Collection method: clinical testing. Allele origin: unknown.